The following is an entry in ClinVar:

ClinVar aggregate classification (germline): Uncertain significance. Review status: criteria provided, multiple submitters, no conflicts (2 of 4 stars). 4 submissions from 4 submitters: Uncertain significance (4). Last evaluated 2026-04-01.

Conditions:
TTN-related disorder. Also called: TTN-related disorders; TTN-related condition; TTN-related disease.
Dilated cardiomyopathy 1G (CMD1G). Identifiers: Orphanet 154, MedGen C1858763, MONDO:0011400, OMIM 604145.
Autosomal recessive limb-girdle muscular dystrophy type 2J (LGMDR10). Also called: Limb-girdle muscular dystrophy, type 2J; MUSCULAR DYSTROPHY, LIMB-GIRDLE, AUTOSOMAL RECESSIVE 10. Identifiers: Orphanet 140922, MedGen C1837342, MONDO:0012127, OMIM 608807.

Allele frequency attached by ClinVar (database versions not stated): gnomAD 0.00002 and 0.00003; gnomAD exomes 0.00002; TOPMed 0.00003; ESP Exome Variant Server 0.00017; ExAC 0.00002.
gnomAD v4.1: 34 of 1,613,622 alleles (0.0021%); highest among the groups gnomAD compares: Non-Finnish European, 0.0025%; no homozygotes.

Submissions (4):

CeGaT Center for Human Genetics Tuebingen
Classification: Uncertain significance. Last evaluated: 2026-04-01. Review status: criteria provided, single submitter. Criteria: CeGaT Center For Human Genetics Tuebingen Variant Classification Criteria Version 2. Collection method: clinical testing. Allele origin: germline. Affected: yes. Observed: 1 variant allele.
Comment: TTN: PM2

PreventionGenetics, part of Exact Sciences
Classification: Uncertain significance for TTN-related condition. Last evaluated: 2024-12-05. Review status: criteria provided, single submitter. Criteria: ACMG Guidelines, 2015. Collection method: clinical testing. Allele origin: germline.
Comment: The TTN c.24701C>T variant is predicted to result in the amino acid substitution p.Thr8234Ile. To our knowledge, this variant has not been reported in the literature. This variant is reported in 0.0065% of alleles in individuals of African descent in gnomAD. At this time, the clinical significance of this variant is uncertain due to the absence of conclusive functional and genetic evidence.

Women's Health and Genetics/Laboratory Corporation of America, LabCorp
Classification: Uncertain significance. Last evaluated: 2023-11-20. Review status: criteria provided, single submitter. Criteria: LabCorp Variant Classification Summary - May 2015. Collection method: clinical testing. Allele origin: germline.

Labcorp Genetics (formerly Invitae), Labcorp
Classification: Uncertain significance for Dilated cardiomyopathy 1G; Autosomal recessive limb-girdle muscular dystrophy type 2J. Last evaluated: 2017-07-21. Review status: criteria provided, single submitter. Criteria: Invitae Variant Classification Sherloc (09022015). Collection method: clinical testing. Allele origin: germline.

NM_001267550.2(TTN):c.24701C>T (p.Thr8234Ile)

Gene: TTN (titin; minus strand). Cytogenetic location: 2q31.2.
Variant type: single nucleotide variant.
Coding change: c.24701C>T on transcript NM_001267550.2 (MANE Select); coding-DNA position 24701, C replaced by T.
Protein change: p.Thr8234Ile; replaces threonine 8234 with isoleucine.
Molecular consequence: missense variant. On other transcripts: intron variant (3).
Genome position (GRCh38, 1-based): chr2:178,718,405, G>A on the plus strand (C>T on the coding strand, the complement: TTN is on the minus strand). VCF-style: chr2-178718405-G-A. GRCh37 (hg19) VCF-style: chr2-179583132-G-A.
Other names: c.23750C>T, p.Thr7917Ile (NM_001256850.1); c.20969C>T, p.Thr6990Ile (NM_133378.4); c.13282+19677C>T (NM_003319.4); c.13858+19677C>T (NM_133437.4); c.13657+19677C>T (NM_133432.3); short protein forms T8234I, T6990I, T7917I.
Identifiers: ClinVar variation 466934 (VCV000466934.7), dbSNP rs369521909, ClinGen allele CA2000380.
Genomic context (GRCh38, chr2:178,718,405, plus strand): 5'-CAGATATCTTGACCAGCCTCATTTTCTATCAGGCAGCTGTACTGTGCATAATCCTCTATT[G>A]TGCTCTCAAGAATTTCCAGTATGGTAGATTTTTCTGTCATAGTAATACTGCATCTCTCAG-3'
Protein context (NP_001254479.2, residues 8224-8244): KSTILEILES[Thr8234Ile]IEDYAQYSCL